The following is an entry in ClinVar:

NM_015046.7(SETX):c.3620C>G (p.Thr1207Ser)

Gene: SETX (senataxin; minus strand). Cytogenetic location: 9q34.13.
Variant type: single nucleotide variant.
Coding change: c.3620C>G on transcript NM_015046.7 (MANE Select); coding-DNA position 3620, C replaced by G.
Protein change: p.Thr1207Ser; replaces threonine 1207 with serine.
Molecular consequence: missense variant.
Genome position (GRCh38, 1-based): chr9:132,327,978, G>C on the plus strand (C>G on the coding strand, the complement: SETX is on the minus strand). VCF-style: chr9-132327978-G-C. GRCh37 (hg19) VCF-style: chr9-135203365-G-C.
Other names: c.3620C>G, p.Thr1207Ser (NM_001351527.2, NM_001351528.2); short protein forms T1207S.
Identifiers: ClinVar variation 2123766 (VCV002123766.4), dbSNP rs2539106368, ClinGen allele CA375329961.

ClinVar aggregate classification (germline): Uncertain significance (1 of 4 stars; one submission).

Conditions:
Amyotrophic lateral sclerosis type 4 (ALS4). Also called: NEURONOPATHY, DISTAL HEREDITARY MOTOR, WITH PYRAMIDAL FEATURES; AMYOTROPHIC LATERAL SCLEROSIS 4, JUVENILE. Identifiers: Orphanet 357043, MedGen C1865409, MONDO:0011223, OMIM 602433.
Spinocerebellar ataxia, autosomal recessive, with axonal neuropathy 2 (SCAN2). Also called: ATAXIA-OCULOMOTOR APRAXIA 2; Ataxia-ocular apraxia-2; Ataxia with Oculomotor Apraxia Type 2; Ataxia with Oculomotor Apraxia. Identifiers: Orphanet 64753, MedGen C1853761, MONDO:0018996, OMIM 606002.

Submission:

Labcorp Genetics (formerly Invitae), Labcorp
Classification: Uncertain significance for Amyotrophic lateral sclerosis type 4; Spinocerebellar ataxia, autosomal recessive, with axonal neuropathy 2. Last evaluated: 2022-04-09. Review status: criteria provided, single submitter. Criteria: Invitae Variant Classification Sherloc (09022015). Collection method: clinical testing. Allele origin: germline.
Comment: This sequence change replaces threonine, which is neutral and polar, with serine, which is neutral and polar, at codon 1207 of the SETX protein (p.Thr1207Ser). This variant is not present in population databases (gnomAD no frequency). This variant has not been reported in the literature in individuals affected with SETX-related conditions. Advanced modeling of protein sequence and biophysical properties (such as structural, functional, and spatial information, amino acid conservation, physicochemical variation, residue mobility, and thermodynamic stability) performed at Invitae indicates that this missense variant is not expected to disrupt SETX protein function. In summary, the available evidence is currently insufficient to determine the role of this variant in disease. Therefore, it has been classified as a Variant of Uncertain Significance.